The following is an entry in ClinVar:

NM_052947.4(ALPK2):c.3167A>T (p.Gln1056Leu)

Gene: ALPK2 (alpha kinase 2; minus strand). Cytogenetic location: 18q21.31.
Variant type: single nucleotide variant.
Coding change: c.3167A>T on transcript NM_052947.4 (MANE Select); coding-DNA position 3167, A replaced by T.
Protein change: p.Gln1056Leu; replaces glutamine 1056 with leucine.
Molecular consequence: missense variant.
Genome position (GRCh38, 1-based): chr18:58,537,020, T>A on the plus strand (A>T on the coding strand, the complement: ALPK2 is on the minus strand). VCF-style: chr18-58537020-T-A. GRCh37 (hg19) VCF-style: chr18-56204252-T-A.
Other names: short protein forms Q1056L.
Identifiers: ClinVar variation 3290385 (VCV003290385.1).

ClinVar aggregate classification (germline): Uncertain significance (1 of 4 stars; one submission).

Submission:

Ambry Genetics
Classification: Uncertain significance. Last evaluated: 2024-05-16. Review status: criteria provided, single submitter. Criteria: Ambry Variant Classification Scheme 2023. Collection method: clinical testing. Allele origin: germline.
Comment: The p.Q1056L variant (also known as c.3167A>T), located in coding exon 4 of the ALPK2 gene, results from an A to T substitution at nucleotide position 3167. The glutamine at codon 1056 is replaced by leucine, an amino acid with dissimilar properties. This amino acid position is conserved. In addition, this alteration is predicted to be tolerated by in silico analysis. Based on the available evidence, the clinical significance of this variant remains unclear.